The following is an entry in ClinVar:

NM_000231.3(SGCG):c.92G>A (p.Trp31Ter)

Gene: SGCG (sarcoglycan gamma; plus strand). Cytogenetic location: 13q12.12.
Variant type: single nucleotide variant.
Coding change: c.92G>A on transcript NM_000231.3 (MANE Select); coding-DNA position 92, G replaced by A.
Protein change: p.Trp31Ter; replaces tryptophan 31 with a stop codon.
Molecular consequence: nonsense.
Genome position (GRCh38, 1-based): chr13:23,203,786, G>A. VCF-style: chr13-23203786-G-A. GRCh37 (hg19) VCF-style: chr13-23777925-G-A.
Other names: c.146G>A, p.Trp49Ter (NM_001378244.1); c.92G>A, p.Trp31Ter (NM_001378245.1, NM_001378246.1); short protein forms W31*, W49*.
Identifiers: ClinVar variation 2585638 (VCV002585638.4), dbSNP rs2500525030, ClinGen allele CA387502506.

ClinVar aggregate classification (germline): Pathogenic/Likely pathogenic. Review status: criteria provided, multiple submitters, no conflicts (2 of 4 stars). 3 submissions from 3 submitters: Pathogenic (1); Likely pathogenic (2). Last evaluated 2023-07-22.

Conditions:
SGCG-related disorder. Also called: SGCG-related condition.
Autosomal recessive limb-girdle muscular dystrophy type 2C (LGMDR5). Also called: MUSCULAR DYSTROPHY, LIMB-GIRDLE, AUTOSOMAL RECESSIVE 5; MUSCULAR DYSTROPHY, DUCHENNE-LIKE. Identifiers: Orphanet 353, MedGen C0410173, MONDO:0009677, OMIM 253700. Disease mechanism: Affects gamma-sarcoglycan and also disrupts the integrity of the entire sarcoglycan complex..

Allele frequency attached by ClinVar (database versions not stated): gnomAD exomes below 0.00001.
gnomAD v4.1: 3 of 1,613,822 alleles (0.00019%); highest among the groups gnomAD compares: South Asian, 0.0022%; no homozygotes.

Submissions (3):

Neuberg Centre For Genomic Medicine, NCGM
Classification: Likely pathogenic for Autosomal recessive limb-girdle muscular dystrophy type 2C. Last evaluated: 2023-07-22. Review status: criteria provided, single submitter. Criteria: ACMG Guidelines, 2015. Collection method: clinical testing. Allele origin: germline. Inheritance: Autosomal recessive inheritance. Affected: yes.
Comment: The observed stop gain c.92G>Ap.Trp31Ter variant in SGCG gene has not been reported previously as a pathogenic variant nor as a benign variant, to our knowledge. The c.92G>A variant is absent in gnomAD Exomes database. This variant has not been submitted to the ClinVar database. The nucleotide change c.92G>A in SGCG is predicted as conserved by GERP++ and PhyloP across 100 vertebrates. This variant is predicted to cause loss of normal protein function through protein truncation. Loss of function variants have been previously reported to be disease causing Demonbreun AR,et. al., 2019. Functional studies are required to prove pathogenicity of the variant. For these reasons, this variant has been classified as Likely Pathogenic.

Baylor Genetics
Classification: Pathogenic for Autosomal recessive limb-girdle muscular dystrophy type 2C. Last evaluated: 2023-07-21. Review status: criteria provided, single submitter. Criteria: ACMG Guidelines, 2015. Collection method: clinical testing. Allele origin: unknown.

Blueprint Genetics
Classification: Likely pathogenic for SGCG-related disorders. Last evaluated: 2020-08-21. Review status: criteria provided, single submitter. Criteria: ACMG Guidelines, 2015. Collection method: clinical testing. Allele origin: germline. Affected: yes. Observed: 1 variant allele.